The following is an entry in ClinVar:

NM_006267.5(RANBP2):c.617G>T (p.Cys206Phe)

Gene: RANBP2 (RAN binding protein 2; plus strand). Cytogenetic location: 2q13.
Variant type: single nucleotide variant.
Coding change: c.617G>T on transcript NM_006267.5 (MANE Select); coding-DNA position 617, G replaced by T.
Protein change: p.Cys206Phe; replaces cysteine 206 with phenylalanine.
Molecular consequence: missense variant.
Genome position (GRCh38, 1-based): chr2:108,735,743, G>T. VCF-style: chr2-108735743-G-T. GRCh37 (hg19) VCF-style: chr2-109352199-G-T.
Other names: c.617G>T, p.Cys206Phe (NM_001415871.1, NM_001415873.1); c.614G>T, p.Cys205Phe (NM_001415872.1); short protein forms C205F, C206F.
Identifiers: ClinVar variation 3430191 (VCV003430191.2).
Genomic context (GRCh38, chr2:108,735,743, plus strand): 5'-CCCACTGCCATGAGGCAGAGAGGAACATAGCTTTGCGTTCAAGTTTAGAATGGAATTCGT[G>T]TGTTGTACAGACCCTTAAGGTAGATAAAAGCTATTGGGTCTTTACATTTCTATGTAGGCA-3'
Protein context (NP_006258.3, residues 196-216): ALRSSLEWNS[Cys206Phe]VVQTLKEYLE

ClinVar aggregate classification (germline): Uncertain significance. Review status: criteria provided, multiple submitters, no conflicts (2 of 4 stars). 2 submissions from 2 submitters: Uncertain significance (2). Last evaluated 2025-01-27.

Submissions (2):

GeneDx
Classification: Uncertain significance. Last evaluated: 2025-01-27. Review status: criteria provided, single submitter. Criteria: GeneDx Variant Classification Process June 2021. Collection method: clinical testing. Allele origin: germline. Affected: yes.
Comment: Not observed at significant frequency in large population cohorts (gnomAD); In silico analysis supports that this missense variant has a deleterious effect on protein structure/function; Has not been previously published as pathogenic or benign to our knowledge

Ambry Genetics
Classification: Uncertain significance. Last evaluated: 2024-10-28. Review status: criteria provided, single submitter. Criteria: Ambry Variant Classification Scheme 2023. Collection method: clinical testing. Allele origin: germline.